The following is an entry in ClinVar:

ClinVar aggregate classification (germline): Uncertain significance (1 of 4 stars; one submission).

Allele frequency attached by ClinVar (database versions not stated): gnomAD exomes 0.00001; TOPMed 0.00001; ExAC 0.00002.
gnomAD v4.1: 13 of 1,614,136 alleles (0.00081%); highest among the groups gnomAD compares: Admixed American, 0.0017%; no homozygotes.

Submission:

Labcorp Genetics (formerly Invitae), Labcorp
Classification: Uncertain significance. Last evaluated: 2025-10-27. Review status: criteria provided, single submitter. Criteria: Invitae Variant Classification Sherloc (09022015). Collection method: clinical testing. Allele origin: germline.
Comment: This sequence change replaces valine, which is neutral and non-polar, with methionine, which is neutral and non-polar, at codon 761 of the SETBP1 protein (p.Val761Met). This variant is present in population databases (rs745506540, gnomAD 0.003%). This variant has not been reported in the literature in individuals affected with SETBP1-related conditions. ClinVar contains an entry for this variant (Variation ID: 1361650). Invitae Evidence Modeling of protein sequence and biophysical properties (such as structural, functional, and spatial information, amino acid conservation, physicochemical variation, residue mobility, and thermodynamic stability) has been performed for this missense variant. However, the output from this modeling did not meet the statistical confidence thresholds required to predict the impact of this variant on SETBP1 protein function. In summary, the available evidence is currently insufficient to determine the role of this variant in disease. Therefore, it has been classified as a Variant of Uncertain Significance.

NM_015559.3(SETBP1):c.2281G>A (p.Val761Met)

Gene: SETBP1 (SET binding protein 1; plus strand). Cytogenetic location: 18q12.3.
Variant type: single nucleotide variant.
Coding change: c.2281G>A on transcript NM_015559.3 (MANE Select); coding-DNA position 2281, G replaced by A.
Protein change: p.Val761Met; replaces valine 761 with methionine.
Molecular consequence: missense variant.
Genome position (GRCh38, 1-based): chr18:44,951,621, G>A. VCF-style: chr18-44951621-G-A. GRCh37 (hg19) VCF-style: chr18-42531586-G-A.
Other names: c.2281G>A, p.Val761Met (NM_001379141.1, NM_001379142.1); short protein forms V761M.
Identifiers: ClinVar variation 1361650 (VCV001361650.8), dbSNP rs745506540, ClinGen allele CA8945735.